The following is an entry in ClinVar:

NM_000538.4(RFXAP):c.148C>A (p.Gln50Lys)

Genes: RFXAP (regulatory factor X associated protein; plus strand), LOC130009573 (ATAC-STARR-seq lymphoblastoid silent region 5267; plus strand). Cytogenetic location: 13q13.3.
Variant type: single nucleotide variant.
Coding change: c.148C>A on transcript NM_000538.4 (MANE Select); coding-DNA position 148, C replaced by A.
Protein change: p.Gln50Lys; replaces glutamine 50 with lysine.
Molecular consequence: missense variant.
Genome position (GRCh38, 1-based): chr13:36,819,505, C>A. VCF-style: chr13-36819505-C-A. GRCh37 (hg19) VCF-style: chr13-37393642-C-A.
Other names: short protein forms Q50K.
Identifiers: ClinVar variation 1389541 (VCV001389541.6), dbSNP rs1267956141, ClinGen allele CA387852329.

ClinVar aggregate classification (germline): Uncertain significance (1 of 4 stars; one submission).

Conditions:
MHC class II deficiency. Also called: BLS, TYPE II; Bare lymphocyte syndrome 2. Identifiers: Orphanet 572, MedGen C5447452, MONDO:0008855.

Allele frequency attached by ClinVar (database versions not stated): gnomAD exomes 0.00001; gnomAD 0.00003 and 0.00004; TOPMed 0.00003.

Submission:

Labcorp Genetics (formerly Invitae), Labcorp
Classification: Uncertain significance for MHC class II deficiency. Last evaluated: 2021-08-19. Review status: criteria provided, single submitter. Criteria: Invitae Variant Classification Sherloc (09022015). Collection method: clinical testing. Allele origin: germline.
Comment: Algorithms developed to predict the effect of missense changes on protein structure and function (SIFT, PolyPhen-2, Align-GVGD) all suggest that this variant is likely to be tolerated. In summary, the available evidence is currently insufficient to determine the role of this variant in disease. Therefore, it has been classified as a Variant of Uncertain Significance. This variant has not been reported in the literature in individuals affected with RFXAP-related conditions. The frequency data for this variant in the population databases is considered unreliable, as metrics indicate insufficient coverage at this position in the ExAC database. This sequence change replaces glutamine with lysine at codon 50 of the RFXAP protein (p.Gln50Lys). The glutamine residue is weakly conserved and there is a small physicochemical difference between glutamine and lysine.